The following is an entry in ClinVar:

ClinVar aggregate classification (germline): Uncertain significance (1 of 4 stars; one submission).

Submission:

Labcorp Genetics (formerly Invitae), Labcorp
Classification: Uncertain significance. Last evaluated: 2022-08-23. Review status: criteria provided, single submitter. Criteria: Invitae Variant Classification Sherloc (09022015). Collection method: clinical testing. Allele origin: germline.
Comment: In summary, the available evidence is currently insufficient to determine the role of this variant in disease. Therefore, it has been classified as a Variant of Uncertain Significance. Algorithms developed to predict the effect of missense changes on protein structure and function are either unavailable or do not agree on the potential impact of this missense change (SIFT: "Not Available"; PolyPhen-2: "Possibly Damaging"; Align-GVGD: "Not Available"). This variant has not been reported in the literature in individuals affected with AEBP1-related conditions. The frequency data for this variant in the population databases is considered unreliable, as metrics indicate poor data quality at this position in the gnomAD database. This sequence change replaces threonine, which is neutral and polar, with methionine, which is neutral and non-polar, at codon 332 of the AEBP1 protein (p.Thr332Met).

NM_001129.5(AEBP1):c.995_996inv (p.Thr332Met)

Gene: AEBP1 (AE binding protein 1; plus strand). Cytogenetic location: 7p13.
Variant type: Inversion.
Coding change: c.995_996inv on transcript NM_001129.5 (MANE Select).
Protein change: p.Thr332Met; replaces threonine 332 with methionine.
Molecular consequence: missense variant.
Genome position: GRCh38 VCF-style: chr7-44108953-CA-TG. GRCh37 (hg19) VCF-style: chr7-44148552-CA-TG.
Other names: short protein forms T332M.
Identifiers: ClinVar variation 1905225 (VCV001905225.3), ClinGen allele CA2580077146.